The following is an entry in ClinVar:

NM_006269.2(RP1):c.4456G>A (p.Gly1486Arg)

Gene: RP1 (RP1 axonemal microtubule associated; plus strand). Cytogenetic location: 8q12.1.
Variant type: single nucleotide variant.
Coding change: c.4456G>A on transcript NM_006269.2 (MANE Select); coding-DNA position 4456, G replaced by A.
Protein change: p.Gly1486Arg; replaces glycine 1486 with arginine.
Molecular consequence: missense variant. On other transcripts: intron variant (1).
Genome position (GRCh38, 1-based): chr8:54,628,338, G>A. VCF-style: chr8-54628338-G-A. GRCh37 (hg19) VCF-style: chr8-55540898-G-A.
Other names: c.787+6050G>A (NM_001375654.1); short protein forms G1486R.
Identifiers: ClinVar variation 847941 (VCV000847941.15), dbSNP rs143193537, ClinGen allele CA4751869.

ClinVar aggregate classification (germline): Conflicting classifications of pathogenicity. Review status: criteria provided, conflicting classifications (1 of 4 stars). 4 submissions from 4 submitters: Uncertain significance (3); Likely benign (1). Last evaluated 2026-07-09.

Conditions:
Inborn genetic diseases. Identifiers: MedGen C0950123, MeSH D030342.
RP1-related disorder. Also called: RP1-related condition.

Allele frequency attached by ClinVar (database versions not stated): gnomAD exomes 0.00002 and 0.00004; ExAC 0.00005; 1000 Genomes Project 30x 0.00016; 1000 Genomes Project 0.00020; gnomAD 0.00025 and 0.00026; TOPMed 0.00025; ESP Exome Variant Server 0.00031.
gnomAD v4.1: 87 of 1,613,858 alleles (0.0054%); highest among the groups gnomAD compares: African/African-American, 0.083%; 2 homozygotes.

Submissions (4):

PreventionGenetics, part of Exact Sciences
Classification: Uncertain significance for RP1-related condition. Last evaluated: 2026-07-09. Review status: criteria provided, single submitter. Criteria: ACMG Guidelines, 2015. Collection method: clinical testing. Allele origin: germline.
Comment: The RP1 c.4456G>A variant is predicted to result in the amino acid substitution p.Gly1486Arg. To our knowledge, this variant has not been reported in the literature. This variant is present in 0.090% of alleles in individuals of African descent in gnomAD, which may be too common to be an unreported cause of disease. Although we suspect that this variant may be benign, at this time, the clinical significance of this variant is uncertain due to the absence of conclusive functional and genetic evidence.

Ambry Genetics
Classification: Uncertain significance for Inborn genetic diseases. Last evaluated: 2025-06-10. Review status: criteria provided, single submitter. Criteria: Ambry Variant Classification Scheme 2023. Collection method: clinical testing. Allele origin: germline.

Labcorp Genetics (formerly Invitae), Labcorp
Classification: Uncertain significance. Last evaluated: 2025-05-13. Review status: criteria provided, single submitter. Criteria: Invitae Variant Classification Sherloc (09022015). Collection method: clinical testing. Allele origin: germline.
Comment: This sequence change replaces glycine, which is neutral and non-polar, with arginine, which is basic and polar, at codon 1486 of the RP1 protein (p.Gly1486Arg). This variant is present in population databases (rs143193537, gnomAD 0.09%). This variant has not been reported in the literature in individuals affected with RP1-related conditions. ClinVar contains an entry for this variant (Variation ID: 847941). An algorithm developed to predict the effect of missense changes on protein structure and function outputs the following: PolyPhen-2: "Benign". The arginine amino acid residue is found in multiple mammalian species, which suggests that this missense change does not adversely affect protein function. In summary, the available evidence is currently insufficient to determine the role of this variant in disease. Therefore, it has been classified as a Variant of Uncertain Significance.

Blueprint Genetics
Classification: Likely benign. Last evaluated: 2024-08-06. Review status: criteria provided, single submitter. Criteria: ACMG Guidelines, 2015. Collection method: clinical testing. Allele origin: germline.